The following is an entry in ClinVar:

ClinVar aggregate classification (germline): Uncertain significance. Review status: criteria provided, multiple submitters, no conflicts (2 of 4 stars). 2 submissions from 2 submitters: Uncertain significance (2). Last evaluated 2024-04-01.

Allele frequency attached by ClinVar (database versions not stated): gnomAD exomes 0.00003; gnomAD 0.00004; TOPMed 0.00006; ExAC 0.00007; 1000 Genomes Project 30x 0.00016; 1000 Genomes Project 0.00020.
gnomAD v4.1: 45 of 1,614,116 alleles (0.0028%); highest among the groups gnomAD compares: East Asian, 0.096%; no homozygotes.

Submissions (2):

CeGaT Center for Human Genetics Tuebingen
Classification: Uncertain significance. Last evaluated: 2024-04-01. Review status: criteria provided, single submitter. Criteria: CeGaT Center For Human Genetics Tuebingen Variant Classification Criteria Version 2. Collection method: clinical testing. Allele origin: germline. Affected: yes. Observed: 1 variant allele.
Comment: TEX15: PM2, BP4

Ambry Genetics
Classification: Uncertain significance. Last evaluated: 2023-09-13. Review status: criteria provided, single submitter. Criteria: Ambry Variant Classification Scheme 2023. Collection method: clinical testing. Allele origin: germline.

NM_001350162.2(TEX15):c.8290A>G (p.Asn2764Asp)

Gene: TEX15 (testis expressed 15, meiosis and synapsis associated; minus strand). Cytogenetic location: 8p12.
Variant type: single nucleotide variant.
Coding change: c.8290A>G on transcript NM_001350162.2 (MANE Select); coding-DNA position 8290, A replaced by G.
Protein change: p.Asn2764Asp; replaces asparagine 2764 with aspartic acid.
Molecular consequence: missense variant.
Genome position (GRCh38, 1-based): chr8:30,837,994, T>C on the plus strand (A>G on the coding strand, the complement: TEX15 is on the minus strand). VCF-style: chr8-30837994-T-C. GRCh37 (hg19) VCF-style: chr8-30695510-T-C.
Other names: c.7141A>G, p.Asn2381Asp (NM_031271.3); short protein forms N2764D, N2381D.
Identifiers: ClinVar variation 2603340 (VCV002603340.22), dbSNP rs537009412, ClinGen allele CA4702331.